The following is an entry in ClinVar:

ClinVar aggregate classification (germline): Uncertain significance. Review status: criteria provided, multiple submitters, no conflicts (2 of 4 stars). 5 submissions from 5 submitters: Uncertain significance (5). Last evaluated 2025-05-04.

Conditions:
D-2-hydroxyglutaric aciduria 1 (D2HGA1). Identifiers: Orphanet 79315, MedGen C3152055, MONDO:0024554, OMIM 600721.
Inborn genetic diseases. Identifiers: MedGen C0950123, MeSH D030342.

Allele frequency attached by ClinVar (database versions not stated): gnomAD exomes 0.00006 and 0.00010; ExAC 0.00007; gnomAD 0.00007; TOPMed 0.00007.
gnomAD v4.1: 104 of 1,594,916 alleles (0.0065%); highest among the groups gnomAD compares: Middle Eastern, 0.072%; no homozygotes.

Submissions (5):

Ambry Genetics
Classification: Uncertain significance for Inborn genetic diseases. Last evaluated: 2025-05-04. Review status: criteria provided, single submitter. Criteria: Ambry Variant Classification Scheme 2023. Collection method: clinical testing. Allele origin: germline.

Fulgent Genetics
Classification: Uncertain significance for D-2-hydroxyglutaric aciduria 1. Last evaluated: 2024-03-12. Review status: criteria provided, single submitter. Criteria: ACMG Guidelines, 2015. Collection method: clinical testing. Allele origin: germline.

Labcorp Genetics (formerly Invitae), Labcorp
Classification: Uncertain significance for D-2-hydroxyglutaric aciduria 1. Last evaluated: 2023-08-17. Review status: criteria provided, single submitter. Criteria: Invitae Variant Classification Sherloc (09022015). Collection method: clinical testing. Allele origin: germline.
Comment: In summary, the available evidence is currently insufficient to determine the role of this variant in disease. Therefore, it has been classified as a Variant of Uncertain Significance. Advanced modeling of protein sequence and biophysical properties (such as structural, functional, and spatial information, amino acid conservation, physicochemical variation, residue mobility, and thermodynamic stability) performed at Invitae indicates that this missense variant is not expected to disrupt D2HGDH protein function. ClinVar contains an entry for this variant (Variation ID: 335325). This variant has not been reported in the literature in individuals affected with D2HGDH-related conditions. This variant is present in population databases (rs762019434, gnomAD 0.03%). This sequence change replaces threonine, which is neutral and polar, with methionine, which is neutral and non-polar, at codon 516 of the D2HGDH protein (p.Thr516Met).

Illumina Laboratory Services, Illumina
Classification: Uncertain significance for D-2-hydroxyglutaric aciduria 1. Last evaluated: 2018-01-13. Review status: criteria provided, single submitter. Criteria: ICSL Variant Classification Criteria 13 December 2019. Collection method: clinical testing. Allele origin: germline.

Genetic Services Laboratory, University of Chicago
Classification: Uncertain significance. Last evaluated: 2015-11-18. Review status: criteria provided, single submitter. Criteria: ACMG Guidelines, 2015. Collection method: clinical testing. Allele origin: germline. Affected: no.

NM_152783.5(D2HGDH):c.1547C>T (p.Thr516Met)

Gene: D2HGDH (D-2-hydroxyglutarate dehydrogenase; plus strand). Cytogenetic location: 2q37.3.
Variant type: single nucleotide variant.
Coding change: c.1547C>T on transcript NM_152783.5 (MANE Select); coding-DNA position 1547, C replaced by T.
Protein change: p.Thr516Met; replaces threonine 516 with methionine.
Molecular consequence: missense variant. On other transcripts: non-coding transcript variant (1).
Genome position (GRCh38, 1-based): chr2:241,767,950, C>T. VCF-style: chr2-241767950-C-T. GRCh37 (hg19) VCF-style: chr2-242707365-C-T.
Other names: c.1145C>T, p.Thr382Met (NM_001287249.2); c.986C>T, p.Thr329Met (NM_001352824.2); short protein forms T516M, T329M, T382M.
Identifiers: ClinVar variation 335325 (VCV000335325.15), dbSNP rs762019434, ClinGen allele CA2222257.